The following is an entry in ClinVar:

ClinVar aggregate classification (germline): Uncertain significance. Review status: reviewed by expert panel (3 of 4 stars). 7 submissions from 7 submitters: Uncertain significance (1). 6 of the submissions do not count toward it. Last evaluated 2025-08-01.

Conditions:
Congenital multicore myopathy with external ophthalmoplegia (CMYO1B). Also called: Minicore myopathy with external ophthalmoplegia; Congenital myopathy 1B, autosomal recessive; Minicore myopathy; MULTICORE MYOPATHY; MULTIMINICORE DISEASE WITH EXTERNAL OPHTHALMOPLEGIA. Identifiers: Orphanet 598, Orphanet 98905, MedGen C1850674, MONDO:0009712, OMIM 255320, HP:0003789.
King Denborough syndrome (KDS). Identifiers: MedGen C1840365, MONDO:0020485, OMIM 619542.
Malignant hyperthermia, susceptibility to, 1 (MHS1). Also called: Anesthesia related hyperthermia; Malignant hyperpyrexia; Fulminating hyperpyrexia; Pharmacogenic myopathy; Malignant hyperthermia suceptibility 1; RYR1-Related Malignant Hyperthermia Susceptibility. Identifiers: Orphanet 423, MedGen C2930980, MONDO:0007783, OMIM 145600.
Congenital myopathy with fiber type disproportion. Also called: Congenital fiber-type disproportion myopathy; Congenital fiber-type disproportion. Identifiers: Orphanet 2020, MedGen C0546264, MONDO:0009711. Inheritance: all.
Central core myopathy (CMYO1A). Also called: Central core disease; Myopathy, central fibrillar; CONGENITAL MYOPATHY 1A, AUTOSOMAL DOMINANT, WITH SUSCEPTIBILITY TO MALIGNANT HYPERTHERMIA. Identifiers: Orphanet 597, MedGen C5830701, MONDO:0007294, OMIM 117000.
RYR1-related disorder. Also called: RYR1-related condition; RYR1-related disorders. Identifiers: MedGen CN239331.

Allele frequency attached by ClinVar (database versions not stated): ExAC 0.00001; gnomAD 0.00001; gnomAD exomes 0.00001; TOPMed 0.00001.

Submissions (7):

ClinGen Malignant Hyperthermia Susceptibility Variant Curation Expert Panel, ClinGen
Classification: Uncertain significance for Malignant hyperthermia, susceptibility to, 1. Last evaluated: 2025-08-01. Review status: reviewed by expert panel. Criteria: ClinGen MHS ACMG Specifications V2. Collection method: curation. Allele origin: germline. Inheritance: Autosomal dominant inheritance. Study: ClinGen.
Comment: This pathogenicity assessment is relevant only for malignant hyperthermia susceptibility (MHS) inherited in an autosomal dominant pattern. Variants in RYR1 can also cause other myopathies inherited in an autosomal dominant pattern or in an autosomal recessive pattern. Some of these disorders may predispose individuals to malignant hyperthermia. RYR1 variants may also contribute to a malignant hyperthermia reaction in combination with other genetic and non-genetic factors and the clinician needs to consider such factors in making management decisions. This sequence variant predicts a substitution of arginine with histidine at codon 163 of the RYR1 protein, p.(Arg163His). This variant has been reported in an individual with a personal or family history of an MH episode and a positive in vitro contracture test (IVCT) or caffeine halothane contracture test (CHCT) result (if the proband was unavailable for testing, a positive diagnostic test result in a mutation-positive relative was counted), PS4_Supporting (PMID:30236257). No functional studies were identified for this variant. This variant resides in a region of RYR1 considered to be a hotspot for pathogenic variants that contribute to MHS, PM1 (PMID: 21118704). A REVEL score >0.85 (0.864) supports a pathogenic status for this variant, PP3_Moderate. While another variant has been assessed as pathogenic at this codon, p.(Arg163Cys), PM5 is not implemented as the Grantham difference between arginine and histidine is not greater than the difference between arginine and cysteine. This variant has been classified as a Variant of Unknown Significance. Criteria implemented: PS4_Supporting, PM1, PP3_Moderate.¬†

CeGaT Center for Human Genetics Tuebingen
Classification: Uncertain significance. Last evaluated: 2026-09-01. Review status: criteria provided, single submitter. Criteria: CeGaT Center For Human Genetics Tuebingen Variant Classification Criteria Version 2. Collection method: clinical testing. Allele origin: germline. Affected: yes. Observed: 2 variant alleles. Not counted in ClinVar's aggregate classification.
Comment: RYR1: PM1, PP3, PS4:Supporting

GeneDx
Classification: Likely pathogenic. Last evaluated: 2025-06-10. Review status: criteria provided, single submitter. Criteria: GeneDx Variant Classification Process June 2021. Collection method: clinical testing. Allele origin: germline. Affected: yes. Not counted in ClinVar's aggregate classification.
Comment: In silico analysis supports that this missense variant has a deleterious effect on protein structure/function; Not observed at significant frequency in large population cohorts (gnomAD); This variant is associated with the following publications: (PMID: 33767344, 30236257)

Labcorp Genetics (formerly Invitae), Labcorp
Classification: Uncertain significance for RYR1-related disorder. Last evaluated: 2024-02-20. Review status: criteria provided, single submitter. Criteria: Invitae Variant Classification Sherloc (09022015). Collection method: clinical testing. Allele origin: germline. Not counted in ClinVar's aggregate classification.
Comment: This sequence change replaces arginine, which is basic and polar, with histidine, which is basic and polar, at codon 163 of the RYR1 protein (p.Arg163His). This variant is present in population databases (rs193922753, gnomAD 0.003%). This variant has not been reported in the literature in individuals affected with RYR1-related conditions. ClinVar contains an entry for this variant (Variation ID: 635269). Advanced modeling of protein sequence and biophysical properties (such as structural, functional, and spatial information, amino acid conservation, physicochemical variation, residue mobility, and thermodynamic stability) performed at Invitae indicates that this missense variant is expected to disrupt RYR1 protein function with a positive predictive value of 80%. This variant disrupts the p.Arg163Cys amino acid residue in RYR1. Other variant(s) that disrupt this residue have been determined to be pathogenic (PMID: 8220423, 8592342, 9334205, 11524458, 19648156, 21156754). This suggests that this residue is clinically significant, and that variants that disrupt this residue are likely to be disease-causing. In summary, the available evidence is currently insufficient to determine the role of this variant in disease. Therefore, it has been classified as a Variant of Uncertain Significance.

Revvity Omics, Revvity
Classification: Uncertain significance. Last evaluated: 2023-12-04. Review status: criteria provided, single submitter. Criteria: ACMG Guidelines, 2015. Collection method: clinical testing. Allele origin: germline. Not counted in ClinVar's aggregate classification.

All of Us Research Program, National Institutes of Health
Classification: Uncertain significance for Malignant hyperthermia, susceptibility to, 1. Last evaluated: 2023-12-01. Review status: criteria provided, single submitter. Criteria: ACMG Guidelines, 2015. Collection method: clinical testing. Allele origin: germline. Inheritance: Autosomal dominant inheritance. Observed: 3 variant alleles, 3 heterozygotes. Not counted in ClinVar's aggregate classification.
Comment: This study involves interpretation of variants in research participants for the purpose of population health screening. Participant phenotype was not available at the time of variant classification. Additional details can be found in publication PMID: 35346344, PMCID: PMC8962531

Fulgent Genetics
Classification: Uncertain significance for Central core myopathy; Malignant hyperthermia, susceptibility to, 1; Congenital myopathy 4A, autosomal dominant; Congenital multicore myopathy with external ophthalmoplegia; King Denborough syndrome. Last evaluated: 2021-09-06. Review status: criteria provided, single submitter. Criteria: ACMG Guidelines, 2015. Collection method: clinical testing. Allele origin: unknown. Not counted in ClinVar's aggregate classification.

Literature cited by the submitters: PubMed 8220423 (cited by Labcorp Genetics (formerly Invitae), Labcorp); PubMed 8592342 (cited by Labcorp Genetics (formerly Invitae), Labcorp); PubMed 9334205 (cited by Labcorp Genetics (formerly Invitae), Labcorp); PubMed 11524458 (cited by Labcorp Genetics (formerly Invitae), Labcorp); PubMed 19648156 (cited by Labcorp Genetics (formerly Invitae), Labcorp); PubMed 21156754 (cited by Labcorp Genetics (formerly Invitae), Labcorp).

NM_000540.3(RYR1):c.488G>A (p.Arg163His)

Gene: RYR1 (ryanodine receptor 1; plus strand). Cytogenetic location: 19q13.2.
Variant type: single nucleotide variant.
Coding change: c.488G>A on transcript NM_000540.3 (MANE Select); coding-DNA position 488, G replaced by A.
Protein change: p.Arg163His; replaces arginine 163 with histidine.
Molecular consequence: missense variant.
Genome position (GRCh38, 1-based): chr19:38,444,212, G>A. VCF-style: chr19-38444212-G-A. GRCh37 (hg19) VCF-style: chr19-38934852-G-A.
Other names: NM_000540.3(RYR1):c.488G>A; p.Arg163His; c.488G>A (NM_000540.2); c.488G>A, p.Arg163His (NM_001042723.2); short protein forms R163H.
Identifiers: ClinVar variation 635269 (VCV000635269.32), dbSNP rs193922753, ClinGen allele CA066494.